The following is an entry in ClinVar:

ClinVar aggregate classification (germline): Uncertain significance. Review status: criteria provided, multiple submitters, no conflicts (2 of 4 stars). 2 submissions from 2 submitters: Uncertain significance (2). Last evaluated 2023-06-05.

Conditions:
Autosomal dominant nocturnal frontal lobe epilepsy 5. Also called: CILIARY DYSKINESIA, PRIMARY, 28, WITHOUT SITUS INVERSUS; Epilepsy, nocturnal frontal lobe, 5; KCNT1-Related Epilepsy; CILIARY DYSKINESIA, PRIMARY, 28, WITH SITUS INVERSUS. Identifiers: Orphanet 98784, MedGen C3554306, MONDO:0014002, OMIM 615005.
Developmental and epileptic encephalopathy, 14 (DEE14). Also called: Early infantile epileptic encephalopathy 14. Identifiers: Orphanet 293181, MedGen C3554195, MONDO:0013989, OMIM 614959.

Allele frequency attached by ClinVar (database versions not stated): gnomAD 0.00001; TOPMed 0.00001; ExAC 0.00002.

Submissions (2):

GeneDx
Classification: Uncertain significance. Last evaluated: 2023-06-05. Review status: criteria provided, single submitter. Criteria: GeneDx Variant Classification Process June 2021. Collection method: clinical testing. Allele origin: germline. Affected: yes.
Comment: Not observed at significant frequency in large population cohorts (gnomAD); In silico analysis supports that this missense variant does not alter protein structure/function; Has not been previously published as pathogenic or benign to our knowledge

Labcorp Genetics (formerly Invitae), Labcorp
Classification: Uncertain significance for Autosomal dominant nocturnal frontal lobe epilepsy 5; Developmental and epileptic encephalopathy, 14. Last evaluated: 2022-03-14. Review status: criteria provided, single submitter. Criteria: Invitae Variant Classification Sherloc (09022015). Collection method: clinical testing. Allele origin: germline.
Comment: In summary, the available evidence is currently insufficient to determine the role of this variant in disease. Therefore, it has been classified as a Variant of Uncertain Significance. Algorithms developed to predict the effect of missense changes on protein structure and function are either unavailable or do not agree on the potential impact of this missense change (SIFT: "Deleterious"; PolyPhen-2: "Possibly Damaging"; Align-GVGD: "Class C0"). This variant has not been reported in the literature in individuals affected with KCNT1-related conditions. The frequency data for this variant in the population databases is considered unreliable, as metrics indicate poor data quality at this position in the gnomAD database. This sequence change replaces glutamine, which is neutral and polar, with histidine, which is basic and polar, at codon 1147 of the KCNT1 protein (p.Gln1147His).

NM_020822.3(KCNT1):c.3441G>C (p.Gln1147His)

Gene: KCNT1 (potassium sodium-activated channel subfamily T member 1; plus strand). Cytogenetic location: 9q34.3.
Variant type: single nucleotide variant.
Coding change: c.3441G>C on transcript NM_020822.3 (MANE Select); coding-DNA position 3441, G replaced by C.
Protein change: p.Gln1147His; replaces glutamine 1147 with histidine.
Molecular consequence: missense variant.
Genome position (GRCh38, 1-based): chr9:135,786,460, G>C. VCF-style: chr9-135786460-G-C. GRCh37 (hg19) VCF-style: chr9-138678306-G-C.
Other names: c.3441G>C (NM_020822.2); c.3306G>C, p.Gln1102His (NM_001272003.2); short protein forms Q1102H, Q1147H.
Identifiers: ClinVar variation 1900641 (VCV001900641.6), dbSNP rs765230101, ClinGen allele CA5327819.